The following is an entry in ClinVar:

NM_001366145.2(TRPM3):c.3708-6G>A

Genes: KLF9-DT (KLF9 divergent transcript; plus strand), TRPM3 (transient receptor potential cation channel subfamily M member 3; minus strand). Cytogenetic location: 9q21.12.
Variant type: single nucleotide variant.
Coding change: c.3708-6G>A on transcript NM_001366145.2 (MANE Select); 6 bases into the intron before coding-DNA position 3708, G replaced by A.
Molecular consequence: intron variant.
Genome position (GRCh38, 1-based): chr9:70,537,411, C>T on the plus strand (G>A on the coding strand, the complement: TRPM3 is on the minus strand). VCF-style: chr9-70537411-C-T. GRCh37 (hg19) VCF-style: chr9-73152327-C-T.
Other names: c.3678-6G>A (NM_001366143.2, NM_001366141.2, NM_001366149.2); c.3714-6G>A (NM_001366142.2); c.3642-6G>A (NM_001366150.2); c.3672-6G>A (NM_001366151.2, NM_001007471.4); c.3708-6G>A (NM_001366146.2); c.3753-6G>A (NM_001366148.2); c.3783-6G>A (NM_001366152.2, NM_001366147.2); c.3183-6G>A (NM_206944.5); and 5 more.
Identifiers: ClinVar variation 2659249 (VCV002659249.24), dbSNP rs1162521187, ClinGen allele CA588648301.

ClinVar aggregate classification (germline): Likely benign (1 of 4 stars; one submission).

Allele frequency attached by ClinVar (database versions not stated): gnomAD exomes 0.00001.
gnomAD v4.1: 13 of 1,438,442 alleles (0.0009%); highest among the groups gnomAD compares: Middle Eastern, 0.021%; no homozygotes.

Submission:

CeGaT Center for Human Genetics Tuebingen
Classification: Likely benign. Last evaluated: 2023-05-01. Review status: criteria provided, single submitter. Criteria: CeGaT Center For Human Genetics Tuebingen Variant Classification Criteria Version 2. Collection method: clinical testing. Allele origin: germline. Affected: yes. Observed: 1 variant allele.
Comment: TRPM3: BP4